The following is an entry in ClinVar:

ClinVar aggregate classification (germline): Conflicting classifications of pathogenicity. Review status: criteria provided, conflicting classifications (1 of 4 stars). 2 submissions from 2 submitters: Likely pathogenic (1); Uncertain significance (1). Last evaluated 2024-08-01.

Conditions:
Wolman disease (WOLD). Also called: Acid cholesteryl ester hydrolase deficiency, Wolman type; Acid lipase disease; Wolman disease, CESD; LYSOSOMAL ACID LIPASE DEFICIENCY, ACUTE INFANTILE; LYSOSOMAL ACID LIPASE DEFICIENCY, COMPLETE; LIPA DEFICIENCY, COMPLETE. Identifiers: Orphanet 75233, MedGen C0043208, MONDO:0019148, OMIM 620151.
Lysosomal acid lipase deficiency. Also called: Acid cholesteryl ester hydrolase deficiency, type 2. Identifiers: Orphanet 275761, MedGen C5574740, MONDO:0800449, MONDO:0010204.

Allele frequency attached by ClinVar (database versions not stated): gnomAD exomes below 0.00001; ExAC 0.00001.

Submissions (2):

Labcorp Genetics (formerly Invitae), Labcorp
Classification: Uncertain significance for Wolman disease. Last evaluated: 2024-08-01. Review status: criteria provided, single submitter. Criteria: Invitae Variant Classification Sherloc (09022015). Collection method: clinical testing. Allele origin: germline.
Comment: This sequence change replaces phenylalanine, which is neutral and non-polar, with valine, which is neutral and non-polar, at codon 308 of the LIPA protein (p.Phe308Val). This variant is present in population databases (rs751625944, gnomAD 0.0009%). This variant has not been reported in the literature in individuals affected with LIPA-related conditions. ClinVar contains an entry for this variant (Variation ID: 695044). Advanced modeling of protein sequence and biophysical properties (such as structural, functional, and spatial information, amino acid conservation, physicochemical variation, residue mobility, and thermodynamic stability) performed at Invitae indicates that this missense variant is expected to disrupt LIPA protein function with a positive predictive value of 80%. Experimental studies have shown that this missense change affects LIPA function (PMID: 31180157). In summary, the available evidence is currently insufficient to determine the role of this variant in disease. Therefore, it has been classified as a Variant of Uncertain Significance.

Alexion, Astrazeneca Rare Disease, Astrazeneca
Classification: Likely pathogenic for Lysosomal acid lipase deficiency. Last evaluated: 2019-06-01. Review status: criteria provided, single submitter. Criteria: ACMG Guidelines, 2015. Collection method: research. Allele origin: germline.
Comment: ACMG PS3 criterion ascertained by in-vitro functional study, PMID:31180157

Literature cited by the submitters: PubMed 31180157 (cited by Labcorp Genetics (formerly Invitae), Labcorp and Alexion, Astrazeneca Rare Disease, Astrazeneca).

NM_000235.4(LIPA):c.922T>G (p.Phe308Val)

Gene: LIPA (lipase A, lysosomal acid type; minus strand). Cytogenetic location: 10q23.31.
Variant type: single nucleotide variant.
Coding change: c.922T>G on transcript NM_000235.4 (MANE Select); coding-DNA position 922, T replaced by G.
Protein change: p.Phe308Val; replaces phenylalanine 308 with valine.
Molecular consequence: missense variant.
Genome position (GRCh38, 1-based): chr10:89,215,982, A>C on the plus strand (T>G on the coding strand, the complement: LIPA is on the minus strand). VCF-style: chr10-89215982-A-C. GRCh37 (hg19) VCF-style: chr10-90975739-A-C.
Other names: c.922T>G, p.Phe308Val (NM_001127605.3); c.574T>G, p.Phe192Val (NM_001288979.2); short protein forms F192V, F308V.
Identifiers: ClinVar variation 695044 (VCV000695044.4), dbSNP rs751625944, ClinGen allele CA5593564.